The following is an entry in ClinVar:

NM_005052.3(RAC3):c.156C>T (p.Asn52=)

Gene: RAC3 (Rac family small GTPase 3; plus strand). Cytogenetic location: 17q25.3.
Variant type: single nucleotide variant.
Coding change: c.156C>T on transcript NM_005052.3 (MANE Select); coding-DNA position 156, C replaced by T.
Protein change: p.Asn52=; no amino-acid change (asparagine 52 retained).
Molecular consequence: synonymous variant.
Genome position (GRCh38, 1-based): chr17:82,032,759, C>T. VCF-style: chr17-82032759-C-T. GRCh37 (hg19) VCF-style: chr17-79990635-C-T.
Other names: c.156C>T, p.Asn52= (NM_001316307.2).
Identifiers: ClinVar variation 4998032 (VCV004998032.1).

ClinVar aggregate classification (germline): Likely benign (1 of 4 stars; one submission).

Conditions:
RAC3-related disorder. Also called: RAC3-related condition.

gnomAD v4.1: 188 of 1,613,156 alleles (0.012%); highest among the groups gnomAD compares: Non-Finnish European, 0.014%; no homozygotes.

Submission:

PreventionGenetics, part of Exact Sciences
Classification: Likely benign for RAC3-related condition. Last evaluated: 2025-10-15. Review status: criteria provided, single submitter. Criteria: ACMG Guidelines, 2015. Collection method: clinical testing. Allele origin: germline.
Comment: This variant is classified as likely benign based on ACMG/AMP sequence variant interpretation guidelines (Richards et al. 2015 PMID: 25741868, with internal and published modifications).